The following is an entry in ClinVar:

ClinVar aggregate classification (germline): Uncertain significance. Review status: criteria provided, multiple submitters, no conflicts (2 of 4 stars). 3 submissions from 3 submitters: Uncertain significance (3). Last evaluated 2024-03-06.

Conditions:
Fanconi anemia complementation group J. Also called: BRIP1-Related Fanconi Anemia. Identifiers: Orphanet 84, MedGen C1836860, MONDO:0012187, OMIM 609054.
Familial cancer of breast. Also called: Hereditary breast cancer; BREAST CANCER, FAMILIAL; hereditary breast carcinoma. Identifiers: Orphanet 227535, MedGen C0346153, MONDO:0016419, OMIM 114480. Disease mechanism: loss of function.
Hereditary cancer-predisposing syndrome. Also called: Hereditary Cancer Syndrome; Tumor predisposition; Hereditary neoplastic syndrome; Neoplastic Syndromes, Hereditary. Identifiers: Orphanet 140162, MedGen C0027672, MeSH D009386, MONDO:0015356.

Allele frequency attached by ClinVar (database versions not stated): TOPMed below 0.00001; gnomAD 0.00001.
gnomAD v4.1: 1 of 1,613,960 alleles (0.000062%); highest among the groups gnomAD compares: African/African-American, 0.0013%; no homozygotes.

Submissions (3):

Color Diagnostics, LLC DBA Color Health
Classification: Uncertain significance for Hereditary cancer-predisposing syndrome. Last evaluated: 2024-03-06. Review status: criteria provided, single submitter. Criteria: ACMG Guidelines, 2015. Collection method: clinical testing. Allele origin: germline.
Comment: This missense variant replaces glutamic acid with alanine at codon 883 of the BRIP1 protein. Computational prediction suggests that this variant may not impact protein structure and function (internally defined REVEL score threshold <= 0.5, PMID: 27666373). To our knowledge, functional studies have not been reported for this variant. This variant has not been reported in individuals affected with hereditary cancer in the literature. This variant has not been identified in the general population by the Genome Aggregation Database (gnomAD). The available evidence is insufficient to determine the role of this variant in disease conclusively. Therefore, this variant is classified as a Variant of Uncertain Significance.

Labcorp Genetics (formerly Invitae), Labcorp
Classification: Uncertain significance for Familial cancer of breast; Fanconi anemia complementation group J. Last evaluated: 2023-11-17. Review status: criteria provided, single submitter. Criteria: Invitae Variant Classification Sherloc (09022015). Collection method: clinical testing. Allele origin: germline.
Comment: This sequence change replaces glutamic acid, which is acidic and polar, with alanine, which is neutral and non-polar, at codon 883 of the BRIP1 protein (p.Glu883Ala). This variant is not present in population databases (gnomAD no frequency). This variant has not been reported in the literature in individuals affected with BRIP1-related conditions. ClinVar contains an entry for this variant (Variation ID: 623934). Advanced modeling of protein sequence and biophysical properties (such as structural, functional, and spatial information, amino acid conservation, physicochemical variation, residue mobility, and thermodynamic stability) performed at Invitae indicates that this missense variant is not expected to disrupt BRIP1 protein function with a negative predictive value of 80%. In summary, the available evidence is currently insufficient to determine the role of this variant in disease. Therefore, it has been classified as a Variant of Uncertain Significance.

CeGaT Center for Human Genetics Tuebingen
Classification: Uncertain significance. Last evaluated: 2018-08-01. Review status: criteria provided, single submitter. Criteria: CeGaT Center For Human Genetics Tuebingen Variant Classification Criteria Version 2. Collection method: clinical testing. Allele origin: germline. Affected: yes. Observed: 1 variant allele.

NM_032043.3(BRIP1):c.2648A>C (p.Glu883Ala)

Gene: BRIP1 (BRCA1 interacting DNA helicase 1; minus strand). Cytogenetic location: 17q23.2.
Variant type: single nucleotide variant.
Coding change: c.2648A>C on transcript NM_032043.3 (MANE Select); coding-DNA position 2648, A replaced by C.
Protein change: p.Glu883Ala; replaces glutamic acid 883 with alanine.
Molecular consequence: missense variant.
Genome position (GRCh38, 1-based): chr17:61,686,093, T>G on the plus strand (A>C on the coding strand, the complement: BRIP1 is on the minus strand). VCF-style: chr17-61686093-T-G. GRCh37 (hg19) VCF-style: chr17-59763454-T-G.
Other names: short protein forms E883A.
Identifiers: ClinVar variation 623934 (VCV000623934.52), dbSNP rs1453990721, ClinGen allele CA400481868.